The following is an entry in ClinVar:

ClinVar aggregate classification (germline): Uncertain significance (1 of 4 stars; one submission).

Conditions:
Inborn genetic diseases. Identifiers: MedGen C0950123, MeSH D030342.

gnomAD v4.1: 31 of 1,613,738 alleles (0.0019%); highest among the groups gnomAD compares: African/African-American, 0.016%; no homozygotes.

Submission:

Ambry Genetics
Classification: Uncertain significance for Inborn genetic diseases. Last evaluated: 2026-07-01. Review status: criteria provided, single submitter. Criteria: Ambry Variant Classification Scheme 2023. Collection method: clinical testing. Allele origin: germline.
Comment: The p.G1282D variant (also known as c.3845G>A), located in coding exon 4 of the FAT1 gene, results from a G to A substitution at nucleotide position 3845. The glycine at codon 1282 is replaced by aspartic acid, an amino acid with similar properties. This amino acid position is conserved. In addition, this alteration is predicted to be deleterious by in silico analysis. Based on the available evidence, the clinical significance of this variant remains unclear.

NM_005245.4(FAT1):c.3845G>A (p.Gly1282Asp)

Gene: FAT1 (FAT atypical cadherin 1; minus strand). Cytogenetic location: 4q35.2.
Variant type: single nucleotide variant.
Coding change: c.3845G>A on transcript NM_005245.4 (MANE Select); coding-DNA position 3845, G replaced by A.
Protein change: p.Gly1282Asp; replaces glycine 1282 with aspartic acid.
Molecular consequence: missense variant.
Genome position (GRCh38, 1-based): chr4:186,636,712, C>T on the plus strand (G>A on the coding strand, the complement: FAT1 is on the minus strand). VCF-style: chr4-186636712-C-T. GRCh37 (hg19) VCF-style: chr4-187557866-C-T.
Other names: short protein forms G1282D.
Identifiers: ClinVar variation 3513163 (VCV003513163.2).